The following is an entry in ClinVar:

ClinVar aggregate classification (germline): Conflicting classifications of pathogenicity. Review status: criteria provided, conflicting classifications (1 of 4 stars). 3 submissions from 3 submitters: Pathogenic (1); Uncertain significance (2). Last evaluated 2025-01-20.

Conditions:
Idiopathic generalized epilepsy. Also called: Generalised epilepsy; EIG. Identifiers: MedGen C0270850, MONDO:0005579, OMIM 600669.
Epilepsy, idiopathic generalized, susceptibility to, 13. Also called: EPILEPSY, JUVENILE MYOCLONIC, SUSCEPTIBILITY TO, 5. Identifiers: Orphanet 307, Orphanet 64280, MedGen C4013473, MONDO:0012627, OMIM 611136.
Epilepsy, childhood absence 4 (ECA4). Also called: EPILEPSY, CHILDHOOD ABSENCE, SUSCEPTIBILITY TO, 4. Identifiers: Orphanet 307, MedGen C1970160.
Developmental and epileptic encephalopathy, 19 (DEE19). Also called: Epileptic encephalopathy, early infantile, 19. Identifiers: Orphanet 33069, MedGen C3810400, MONDO:0014328, OMIM 615744.

Submissions (3):

Revvity Omics, Revvity
Classification: Uncertain significance for Developmental and epileptic encephalopathy, 19. Last evaluated: 2025-01-20. Review status: criteria provided, single submitter. Criteria: ACMG Guidelines, 2015. Collection method: clinical testing. Allele origin: germline.

Uskudar University, Department of Molecular Biology and Genetics, Uskudar University
Classification: Pathogenic for Epilepsy, childhood absence 4; Epilepsy, idiopathic generalized, susceptibility to, 13; Idiopathic generalized epilepsy. Last evaluated: 2023-02-18. Review status: criteria provided, single submitter. Criteria: ACMG Guidelines, 2015. Collection method: research. Allele origin: germline.

Labcorp Genetics (formerly Invitae), Labcorp
Classification: Uncertain significance for Epilepsy, childhood absence 4; Epilepsy, idiopathic generalized, susceptibility to, 13; Idiopathic generalized epilepsy. Last evaluated: 2022-07-12. Review status: criteria provided, single submitter. Criteria: Invitae Variant Classification Sherloc (09022015). Collection method: clinical testing. Allele origin: germline.
Comment: This variant has not been reported in the literature in individuals affected with GABRA1-related conditions. ClinVar contains an entry for this variant (Variation ID: 938690). Algorithms developed to predict the effect of missense changes on protein structure and function (SIFT, PolyPhen-2, Align-GVGD) all suggest that this variant is likely to be disruptive. In summary, the available evidence is currently insufficient to determine the role of this variant in disease. Therefore, it has been classified as a Variant of Uncertain Significance. This variant is not present in population databases (gnomAD no frequency). This sequence change replaces proline, which is neutral and non-polar, with leucine, which is neutral and non-polar, at codon 305 of the GABRA1 protein (p.Pro305Leu).

Literature cited by the submitters: PubMed 37809401 (cited by Uskudar University, Department of Molecular Biology and Genetics, Uskudar University).

NM_001127644.2(GABRA1):c.914C>T (p.Pro305Leu)

Gene: GABRA1 (gamma-aminobutyric acid type A receptor subunit alpha1; plus strand). Cytogenetic location: 5q34.
Variant type: single nucleotide variant.
Coding change: c.914C>T on transcript NM_001127644.2 (MANE Select); coding-DNA position 914, C replaced by T.
Protein change: p.Pro305Leu; replaces proline 305 with leucine.
Molecular consequence: missense variant.
Genome position (GRCh38, 1-based): chr5:161,895,723, C>T. VCF-style: chr5-161895723-C-T. GRCh37 (hg19) VCF-style: chr5-161322729-C-T.
Other names: c.914C>T, p.Pro305Leu (NM_000806.5, NM_001127643.2, NM_001127645.2 and 1 more transcripts); short protein forms P305L.
Identifiers: ClinVar variation 938690 (VCV000938690.11), dbSNP rs1755333582, ClinGen allele CA362180187.